The following is an entry in ClinVar:

NM_001371623.1(TCOF1):c.130G>A (p.Val44Ile)

Gene: TCOF1 (treacle ribosome biogenesis factor 1; plus strand). Cytogenetic location: 5q32.
Variant type: single nucleotide variant.
Coding change: c.130G>A on transcript NM_001371623.1 (MANE Select); coding-DNA position 130, G replaced by A.
Protein change: p.Val44Ile; replaces valine 44 with isoleucine.
Molecular consequence: missense variant.
Genome position (GRCh38, 1-based): chr5:150,361,177, G>A. VCF-style: chr5-150361177-G-A. GRCh37 (hg19) VCF-style: chr5-149740740-G-A.
Other names: c.130G>A (NM_001135243.1); c.130G>A, p.Val44Ile (NM_000356.4, NM_001008657.3, NM_001135243.2 and 3 more transcripts); short protein forms V44I.
Identifiers: ClinVar variation 2781838 (VCV002781838.4), dbSNP rs756304021, ClinGen allele CA3510468.
Genomic context (GRCh38, chr5:150,361,177, plus strand): 5'-CTGGGGATTAATTGTGGCTTTCTCTTTACCTCTCTGCAGAAGTGTTTCCTGGCTCAGCCC[G>A]TAACCCTTCTGGACATCTATACACACTGGCAACAGTAAGTGGTGGGGCCTATAGGGTGGA-3'
Protein context (NP_001358552.1, residues 34-54): SGQKCFLAQP[Val44Ile]TLLDIYTHWQ

ClinVar aggregate classification (germline): Uncertain significance. Review status: criteria provided, multiple submitters, no conflicts (2 of 4 stars). 2 submissions from 2 submitters: Uncertain significance (2). Last evaluated 2025-08-24.

Conditions:
Treacher Collins syndrome 1 (TCS1). Also called: TCOF1-Related Treacher Collins Syndrome. Identifiers: Orphanet 861, MedGen CN315775, MONDO:0007944, OMIM 154500.
Inborn genetic diseases. Identifiers: MedGen C0950123, MeSH D030342.

Allele frequency attached by ClinVar (database versions not stated): gnomAD 0.00001; gnomAD exomes 0.00001; ExAC 0.00002; TOPMed 0.00002.

Submissions (2):

Ambry Genetics
Classification: Uncertain significance for Inborn genetic diseases. Last evaluated: 2025-08-24. Review status: criteria provided, single submitter. Criteria: Ambry Variant Classification Scheme 2023. Collection method: clinical testing. Allele origin: germline.

Labcorp Genetics (formerly Invitae), Labcorp
Classification: Uncertain significance for Treacher Collins syndrome 1. Last evaluated: 2023-09-04. Review status: criteria provided, single submitter. Criteria: Invitae Variant Classification Sherloc (09022015). Collection method: clinical testing. Allele origin: germline.
Comment: This sequence change replaces valine, which is neutral and non-polar, with isoleucine, which is neutral and non-polar, at codon 44 of the TCOF1 protein (p.Val44Ile). This variant is present in population databases (rs756304021, gnomAD 0.007%). This variant has not been reported in the literature in individuals affected with TCOF1-related conditions. Advanced modeling of protein sequence and biophysical properties (such as structural, functional, and spatial information, amino acid conservation, physicochemical variation, residue mobility, and thermodynamic stability) performed at Invitae indicates that this missense variant is not expected to disrupt TCOF1 protein function. In summary, the available evidence is currently insufficient to determine the role of this variant in disease. Therefore, it has been classified as a Variant of Uncertain Significance.